The following is an entry in ClinVar:

NM_016492.5(RANGRF):c.109G>A (p.Val37Ile)

Genes: RANGRF (RAN guanine nucleotide release factor; plus strand), SLC25A35 (solute carrier family 25 member 35; minus strand), LOC130060241 (ATAC-STARR-seq lymphoblastoid active region 11693; plus strand). Cytogenetic location: 17p13.1.
Variant type: single nucleotide variant.
Coding change: c.109G>A on transcript NM_016492.5 (MANE Select); coding-DNA position 109, G replaced by A.
Protein change: p.Val37Ile; replaces valine 37 with isoleucine.
Molecular consequence: missense variant. On other transcripts: 3 prime UTR variant (2), non-coding transcript variant (2), intron variant (1).
Genome position (GRCh38, 1-based): chr17:8,288,987, G>A. VCF-style: chr17-8288987-G-A. GRCh37 (hg19) VCF-style: chr17-8192305-G-A.
Other names: c.109G>A, p.Val37Ile (NM_001177801.2, NM_001177802.2, NM_001330127.2); c.*496C>T (NM_001320872.2); c.*629C>T (NM_201520.3); c.*43-555C>T (NM_001320871.2); short protein forms V37I.
Identifiers: ClinVar variation 1041435 (VCV001041435.10), dbSNP rs1247874145, ClinGen allele CA397994053.

ClinVar aggregate classification (germline): Uncertain significance (1 of 4 stars; one submission).

Conditions:
Cardiac arrhythmia. Also called: Arrhythmia; Cardiac rhythm disease. Identifiers: MedGen C0003811, MONDO:0007263, HP:0011675.

Allele frequency attached by ClinVar (database versions not stated): gnomAD 0.00001; gnomAD exomes below 0.00001.
gnomAD v4.1: 9 of 1,614,064 alleles (0.00056%); highest among the groups gnomAD compares: South Asian, 0.0011%; no homozygotes.

Submission:

Labcorp Genetics (formerly Invitae), Labcorp
Classification: Uncertain significance for Cardiac arrhythmia. Last evaluated: 2020-09-02. Review status: criteria provided, single submitter. Criteria: Invitae Variant Classification Sherloc (09022015). Collection method: clinical testing. Allele origin: germline.
Comment: This sequence change replaces valine with isoleucine at codon 37 of the RANGRF protein (p.Val37Ile). The valine residue is highly conserved and there is a small physicochemical difference between valine and isoleucine. This variant is not present in population databases (ExAC no frequency). This variant has not been reported in the literature in individuals with RANGRF-related conditions. Algorithms developed to predict the effect of missense changes on protein structure and function output the following: SIFT: "Deleterious"; PolyPhen-2: "Benign"; Align-GVGD: "Class C25". The isoleucine amino acid residue is found in multiple mammalian species, suggesting that this missense change does not adversely affect protein function. These predictions have not been confirmed by published functional studies and their clinical significance is uncertain. In summary, the available evidence is currently insufficient to determine the role of this variant in disease. Therefore, it has been classified as a Variant of Uncertain Significance.